The following is an entry in ClinVar:

ClinVar aggregate classification (germline): Uncertain significance (1 of 4 stars; one submission).

Submission:

Mayo Clinic Laboratories, Mayo Clinic
Classification: Uncertain significance. Last evaluated: 2022-09-28. Review status: criteria provided, single submitter. Criteria: ACMG Guidelines, 2015. Collection method: clinical testing. Allele origin: germline. Observed: 1 variant allele.
Comment: BP4, PM2

NM_000443.4(ABCB4):c.718G>A (p.Ala240Thr)

Gene: ABCB4 (ATP binding cassette subfamily B member 4; minus strand). Cytogenetic location: 7q21.12.
Variant type: single nucleotide variant.
Coding change: c.718G>A on transcript NM_000443.4 (MANE Select); coding-DNA position 718, G replaced by A.
Protein change: p.Ala240Thr; replaces alanine 240 with threonine.
Molecular consequence: missense variant.
Genome position (GRCh38, 1-based): chr7:87,450,083, C>T on the plus strand (G>A on the coding strand, the complement: ABCB4 is on the minus strand). VCF-style: chr7-87450083-C-T. GRCh37 (hg19) VCF-style: chr7-87079399-C-T.
Other names: p.Ala240Thr; c.718G>A, p.Ala240Thr (NM_018849.3, NM_018850.3); short protein forms A240T.
Identifiers: ClinVar variation 2682978 (VCV002682978.1), dbSNP rs2546854368, ClinGen allele CA368050756.